The following is an entry in ClinVar:

ClinVar aggregate classification (germline): Conflicting classifications of pathogenicity. Review status: criteria provided, conflicting classifications (1 of 4 stars). 2 submissions from 2 submitters: Likely pathogenic (1); Uncertain significance (1). Last evaluated 2026-08-11.

Conditions:
Dilated cardiomyopathy 1G (CMD1G). Identifiers: Orphanet 154, MedGen C1858763, MONDO:0011400, OMIM 604145.
Autosomal recessive limb-girdle muscular dystrophy type 2J (LGMDR10). Also called: Limb-girdle muscular dystrophy, type 2J; MUSCULAR DYSTROPHY, LIMB-GIRDLE, AUTOSOMAL RECESSIVE 10. Identifiers: Orphanet 140922, MedGen C1837342, MONDO:0012127, OMIM 608807.

Allele frequency attached by ClinVar (database versions not stated): gnomAD exomes below 0.00001.
gnomAD v4.1: 1 of 1,584,680 alleles (0.000063%); highest among the groups gnomAD compares: Non-Finnish European, 0.000086%; no homozygotes.

Submissions (2):

GeneDx
Classification: Likely pathogenic. Last evaluated: 2026-08-11. Review status: criteria provided, single submitter. Criteria: GeneDx Variant Classification Process June 2021. Collection method: clinical testing. Allele origin: germline.
Comment: Not observed at significant frequency in large population cohorts (gnomAD); In silico analysis supports a deleterious effect on splicing; Has not been previously published as pathogenic or benign to our knowledge

Labcorp Genetics (formerly Invitae), Labcorp
Classification: Uncertain significance for Dilated cardiomyopathy 1G; Autosomal recessive limb-girdle muscular dystrophy type 2J. Last evaluated: 2024-10-30. Review status: criteria provided, single submitter. Criteria: Invitae Variant Classification Sherloc (09022015). Collection method: clinical testing. Allele origin: germline.
Comment: This sequence change replaces aspartic acid, which is acidic and polar, with tyrosine, which is neutral and polar, at codon 22054 of the TTN protein (p.Asp22054Tyr). This variant also falls at the last nucleotide of exon 314, which is part of the consensus splice site for this exon. This variant is not present in population databases (gnomAD no frequency). This variant has not been observed in the literature in individuals with autosomal recessive TTN-related conditions. This variant has been reported in individual(s) with dilated cardiomyopathy (internal data); however, the role of the variant in this condition is currently unclear. ClinVar contains an entry for this variant (Variation ID: 388627). Experimental studies and prediction algorithms are not available or were not evaluated, and the functional significance of this variant is currently unknown. Variants that disrupt the consensus splice site are a relatively common cause of aberrant splicing (PMID: 17576681, 9536098). Algorithms developed to predict the effect of sequence changes on RNA splicing suggest that this variant may disrupt the consensus splice site. This variant is located in the A band of TTN (PMID: 25589632). Variants in this region may be relevant for cardiac or neuromuscular disorders (PMID: 25589632, 23975875). In summary, the available evidence is currently insufficient to determine the role of this variant in disease. Therefore, it has been classified as a Variant of Uncertain Significance.

Literature cited by the submitters: PubMed 17576681 (cited by Labcorp Genetics (formerly Invitae), Labcorp); PubMed 9536098 (cited by Labcorp Genetics (formerly Invitae), Labcorp); PubMed 25589632 (cited by Labcorp Genetics (formerly Invitae), Labcorp); PubMed 23975875 (cited by Labcorp Genetics (formerly Invitae), Labcorp).

NM_001267550.2(TTN):c.66160G>T (p.Asp22054Tyr)

Genes: TTN (titin; minus strand), TTN-AS1 (TTN antisense RNA 1; plus strand). Cytogenetic location: 2q31.2.
Variant type: single nucleotide variant.
Coding change: c.66160G>T on transcript NM_001267550.2 (MANE Select); coding-DNA position 66160, G replaced by T.
Protein change: p.Asp22054Tyr; replaces aspartic acid 22054 with tyrosine.
Molecular consequence: missense variant.
Genome position (GRCh38, 1-based): chr2:178,582,296, C>A on the plus strand (G>T on the coding strand, the complement: TTN is on the minus strand). VCF-style: chr2-178582296-C-A. GRCh37 (hg19) VCF-style: chr2-179447023-C-A.
Other names: c.61237G>T, p.Asp20413Tyr (NM_001256850.1); c.38965G>T, p.Asp12989Tyr (NM_003319.4); c.58456G>T, p.Asp19486Tyr (NM_133378.4); c.39340G>T, p.Asp13114Tyr (NM_133432.3); c.39541G>T, p.Asp13181Tyr (NM_133437.4); c.66160G>T (NM_001267550.1); short protein forms D20413Y, D22054Y, D12989Y, D13114Y, D13181Y, D19486Y.
Identifiers: ClinVar variation 388627 (VCV000388627.5), dbSNP rs1057523177, ClinGen allele CA16604132.
Genomic context (GRCh38, chr2:178,582,296, plus strand): 5'-TCCCAGGCTAAAAGATAATTTTAAAAAATAAAATGAAAAACCACCGGGAAATGTTCCTAC[C>A]ATATGGGTTTTTGGCAATTGCTGGTTCAGTGAAGACTGGATCGCCTACTCCATATTTATT-3'
Protein context (NP_001254479.2, residues 22044-22064): TEPAIAKNPY[Asp22054Tyr]PPGRCDPPVI